The following is an entry in ClinVar:

ClinVar aggregate classification (germline): Uncertain significance. Review status: criteria provided, multiple submitters, no conflicts (2 of 4 stars). 2 submissions from 2 submitters: Uncertain significance (2). Last evaluated 2025-03-19.

Conditions:
Hereditary cancer-predisposing syndrome. Also called: Neoplastic Syndromes, Hereditary; Hereditary neoplastic syndrome; Hereditary Cancer Syndrome; Tumor predisposition. Identifiers: Orphanet 140162, MedGen C0027672, MeSH D009386, MONDO:0015356.
DICER1-related tumor predisposition. Also called: DICER1 syndrome; DICER1-related pleuropulmonary blastoma cancer predisposition syndrome. Identifiers: Orphanet 284343, MedGen C3839822, MONDO:0100216.

Allele frequency attached by ClinVar (database versions not stated): gnomAD exomes below 0.00001.
gnomAD v4.1: 1 of 1,613,562 alleles (0.000062%); highest among the groups gnomAD compares: Non-Finnish European, 0.000085%; no homozygotes.

Submissions (2):

Labcorp Genetics (formerly Invitae), Labcorp
Classification: Uncertain significance for DICER1-related tumor predisposition. Last evaluated: 2025-03-19. Review status: criteria provided, single submitter. Criteria: Invitae Variant Classification Sherloc (09022015). Collection method: clinical testing. Allele origin: germline.
Comment: This sequence change replaces threonine, which is neutral and polar, with lysine, which is basic and polar, at codon 566 of the DICER1 protein (p.Thr566Lys). This variant is not present in population databases (gnomAD no frequency). This variant has not been reported in the literature in individuals affected with DICER1-related conditions. ClinVar contains an entry for this variant (Variation ID: 659299). Invitae Evidence Modeling of protein sequence and biophysical properties (such as structural, functional, and spatial information, amino acid conservation, physicochemical variation, residue mobility, and thermodynamic stability) indicates that this missense variant is not expected to disrupt DICER1 protein function with a negative predictive value of 95%. In summary, the available evidence is currently insufficient to determine the role of this variant in disease. Therefore, it has been classified as a Variant of Uncertain Significance.

Ambry Genetics
Classification: Uncertain significance for Hereditary cancer-predisposing syndrome. Last evaluated: 2022-06-24. Review status: criteria provided, single submitter. Criteria: Ambry Variant Classification Scheme 2023. Collection method: clinical testing. Allele origin: germline.
Comment: The p.T566K variant (also known as c.1697C>A), located in coding exon 9 of the DICER1 gene, results from a C to A substitution at nucleotide position 1697. The threonine at codon 566 is replaced by lysine, an amino acid with similar properties. This amino acid position is conserved. In addition, this alteration is predicted to be tolerated by in silico analysis. Since supporting evidence is limited at this time, the clinical significance of this alteration remains unclear.

NM_177438.3(DICER1):c.1697C>A (p.Thr566Lys)

Gene: DICER1 (dicer 1, ribonuclease III; minus strand). Cytogenetic location: 14q32.13.
Variant type: single nucleotide variant.
Coding change: c.1697C>A on transcript NM_177438.3 (MANE Select); coding-DNA position 1697, C replaced by A.
Protein change: p.Thr566Lys; replaces threonine 566 with lysine.
Molecular consequence: missense variant.
Genome position (GRCh38, 1-based): chr14:95,116,508, G>T on the plus strand (C>A on the coding strand, the complement: DICER1 is on the minus strand). VCF-style: chr14-95116508-G-T. GRCh37 (hg19) VCF-style: chr14-95582845-G-T.
Other names: c.1697C>A, p.Thr566Lys (NM_001195573.1, NM_001271282.3, NM_001291628.2 and 1 more transcripts); short protein forms T566K.
Identifiers: ClinVar variation 659299 (VCV000659299.12), dbSNP rs1595410792, ClinGen allele CA390884771.